The following is an entry in ClinVar:

ClinVar aggregate classification (germline): Uncertain significance. Review status: criteria provided, multiple submitters, no conflicts (2 of 4 stars). 5 submissions from 5 submitters: Uncertain significance (5). Last evaluated 2025-11-05.

Conditions:
Hereditary spastic paraplegia 7 (SPG7). Also called: SPG7-related neurologic disorder; Spastic paraplegia 7; Hereditary spastic paraplegia Paraplegin type; Autosomal recessive spastic paraplegia type 7; SPASTIC PARAPLEGIA 7, AUTOSOMAL RECESSIVE, WITH OR WITHOUT CEREBELLAR ATAXIA. Identifiers: Orphanet 99013, MedGen C1846564, MONDO:0011803, OMIM 607259.
Inborn genetic diseases. Identifiers: MedGen C0950123, MeSH D030342.

Allele frequency attached by ClinVar (database versions not stated): gnomAD 0.00002 and 0.00003; TOPMed 0.00006; ExAC 0.00012; 1000 Genomes Project 30x 0.00016; 1000 Genomes Project 0.00020.

Submissions (5):

Labcorp Genetics (formerly Invitae), Labcorp
Classification: Uncertain significance for Hereditary spastic paraplegia 7. Last evaluated: 2025-11-05. Review status: criteria provided, single submitter. Criteria: Invitae Variant Classification Sherloc (09022015). Collection method: clinical testing. Allele origin: germline.
Comment: This sequence change replaces glutamic acid, which is acidic and polar, with lysine, which is basic and polar, at codon 567 of the SPG7 protein (p.Glu567Lys). This variant is present in population databases (rs577389704, gnomAD 0.1%). This variant has not been reported in the literature in individuals affected with SPG7-related conditions. ClinVar contains an entry for this variant (Variation ID: 888381). Invitae Evidence Modeling of protein sequence and biophysical properties (such as structural, functional, and spatial information, amino acid conservation, physicochemical variation, residue mobility, and thermodynamic stability) has been performed for this missense variant. However, the output from this modeling did not meet the statistical confidence thresholds required to predict the impact of this variant on SPG7 protein function. In summary, the available evidence is currently insufficient to determine the role of this variant in disease. Therefore, it has been classified as a Variant of Uncertain Significance.

Ambry Genetics
Classification: Uncertain significance for Inborn genetic diseases. Last evaluated: 2025-10-21. Review status: criteria provided, single submitter. Criteria: Ambry Variant Classification Scheme 2023. Collection method: clinical testing. Allele origin: germline.

Mayo Clinic Laboratories, Mayo Clinic
Classification: Uncertain significance. Last evaluated: 2025-03-05. Review status: criteria provided, single submitter. Criteria: ACMG Guidelines, 2015. Collection method: clinical testing. Allele origin: germline. Observed: 1 variant allele.
Comment: PP3

GeneDx
Classification: Uncertain significance. Last evaluated: 2023-06-06. Review status: criteria provided, single submitter. Criteria: GeneDx Variant Classification Process June 2021. Collection method: clinical testing. Allele origin: germline. Affected: yes.
Comment: In silico analysis supports that this missense variant has a deleterious effect on protein structure/function; Has not been previously published as pathogenic or benign to our knowledge

Illumina Laboratory Services, Illumina
Classification: Uncertain significance for Hereditary spastic paraplegia 7. Last evaluated: 2018-01-13. Review status: criteria provided, single submitter. Criteria: ICSL Variant Classification Criteria 13 December 2019. Collection method: clinical testing. Allele origin: germline.

NM_003119.4(SPG7):c.1699G>A (p.Glu567Lys)

Gene: SPG7 (SPG7 matrix AAA peptidase subunit, paraplegin; plus strand). Cytogenetic location: 16q24.3.
Variant type: single nucleotide variant.
Coding change: c.1699G>A on transcript NM_003119.4 (MANE Select); coding-DNA position 1699, G replaced by A.
Protein change: p.Glu567Lys; replaces glutamic acid 567 with lysine.
Molecular consequence: missense variant.
Genome position (GRCh38, 1-based): chr16:89,550,529, G>A. VCF-style: chr16-89550529-G-A. GRCh37 (hg19) VCF-style: chr16-89616937-G-A.
Other names: p.Glu567Lys; c.1699G>A, p.Glu567Lys (NM_001363850.1); short protein forms E567K.
Identifiers: ClinVar variation 888381 (VCV000888381.13), dbSNP rs577389704, ClinGen allele CA8244366.
Genomic context (GRCh38, chr16:89,550,529, plus strand): 5'-AACTCATACCCCGGCATTCTTTCAGGGACTGCCAAAAAGAGCAAGATCCTGTCCAAGGAA[G>A]AACAGAAAGTGGTTGCGTTTCATGAGTCGGGCCACGCCTTGGTGGGCTGGATGCTGGAGC-3'
Protein context (NP_003110.1, residues 557-577): AKKSKILSKE[Glu567Lys]QKVVAFHESG